The following is an entry in ClinVar:

NM_000059.4(BRCA2):c.6222_6223del (p.His2074fs)

Gene: BRCA2 (BRCA2 DNA repair associated; plus strand). Cytogenetic location: 13q13.1.
Variant type: Microsatellite.
Coding change: c.6222_6223del on transcript NM_000059.4 (MANE Select); coding-DNA positions 6222 to 6223, 2 bases deleted (CA; older notation c.6222_6223delCA).
Protein change: p.His2074fs; shifts the reading frame from histidine 2074.
Molecular consequence: frameshift variant. On other transcripts: non-coding transcript variant (1), intron variant (2).
Genome position (GRCh38, 1-based): chr13:32,340,577-32,340,578, CA deleted; deleting any 2 consecutive bases within chr13:32,340,574-32,340,578 gives the same sequence; the c. name uses the placement nearest the transcript's 3' end. VCF-style (leftmost placement, unchanged base first): chr13-32340573-TAC-T. GRCh37 (hg19) VCF-style: chr13-32914710-TAC-T.
Other names: c.6222_6223del (NM_000059.3); c.6220_6221CA[1], p.His2074Glnfs (NM_000059.3); c.6222_6223del, p.His2074fs (NM_001406719.1, NM_001406720.1); c.1910-3981_1910-3980del (NM_001406721.1); c.425-3981_425-3980del (NM_001406722.1); short protein forms H2074fs.
Identifiers: ClinVar variation 2584860 (VCV002584860.1), dbSNP rs2548532824, ClinGen allele CA2582341810.

ClinVar aggregate classification (germline): Likely pathogenic (1 of 4 stars; one submission).

Conditions:
Breast-ovarian cancer, familial, susceptibility to, 2 (BROVCA2). Also called: BRCA2 Hereditary Breast and Ovarian Cancer. Identifiers: Orphanet 145, MedGen C2675520, MONDO:0012933, OMIM 612555. Disease mechanism: loss of function.

Submission:

Neuberg Centre For Genomic Medicine, NCGM
Classification: Likely pathogenic for Breast-ovarian cancer, familial, susceptibility to, 2. Review status: criteria provided, single submitter. Criteria: ACMG Guidelines, 2015. Collection method: clinical testing. Allele origin: germline. Inheritance: Autosomal dominant inheritance. Affected: yes.
Comment: The frame shift variant c.6222_6223del (p.His2074GlnfsTer3) in BRCA2 gene has not been reported previously as a pathogenic variant nor as a benign variant, to our knowledge. This variant causes a frameshift starting with codon Histidine 2074, changes this amino acid to Glutamine residue, and creates a premature Stop codon at position 3 of the new reading frame, denoted p.His2074GlnfsTer3. This variant is predicted to cause loss of normal protein function through protein truncation. Loss of function variants have been previously reported to be disease causing. The p.His2074GlnfsTer3 variant is novel (not in any individuals) in gnomAD Exomes and 1000 Genomes. For these reasons, this variant has been classified as Likely Pathogenic .